The following is an entry in ClinVar:

ClinVar aggregate classification (germline): Uncertain significance (1 of 4 stars; one submission).

Conditions:
Werner syndrome (WRN). Identifiers: Orphanet 902, MedGen C0043119, MONDO:0010196, OMIM 277700.

Allele frequency attached by ClinVar (database versions not stated): ExAC 0.00001; gnomAD 0.00001 and 0.00002; gnomAD exomes 0.00001; TOPMed 0.00001; 1000 Genomes Project 30x 0.00016; 1000 Genomes Project 0.00020.
gnomAD v4.1: 12 of 1,613,488 alleles (0.00074%); highest among the groups gnomAD compares: Admixed American, 0.018%; no homozygotes.

Submission:

Labcorp Genetics (formerly Invitae), Labcorp
Classification: Uncertain significance for Werner syndrome. Last evaluated: 2025-04-14. Review status: criteria provided, single submitter. Criteria: Invitae Variant Classification Sherloc (09022015). Collection method: clinical testing. Allele origin: germline.
Comment: This sequence change replaces threonine, which is neutral and polar, with alanine, which is neutral and non-polar, at codon 398 of the WRN protein (p.Thr398Ala). This variant is present in population databases (rs532554615, gnomAD 0.009%). This variant has not been reported in the literature in individuals affected with WRN-related conditions. ClinVar contains an entry for this variant (Variation ID: 858990). An algorithm developed to predict the effect of missense changes on protein structure and function (PolyPhen-2) suggests that this variant is likely to be disruptive. In summary, the available evidence is currently insufficient to determine the role of this variant in disease. Therefore, it has been classified as a Variant of Uncertain Significance.

NM_000553.6(WRN):c.1192A>G (p.Thr398Ala)

Gene: WRN (WRN RecQ like helicase; plus strand). Cytogenetic location: 8p12.
Variant type: single nucleotide variant.
Coding change: c.1192A>G on transcript NM_000553.6 (MANE Select); coding-DNA position 1192, A replaced by G.
Protein change: p.Thr398Ala; replaces threonine 398 with alanine.
Molecular consequence: missense variant.
Genome position (GRCh38, 1-based): chr8:31,081,219, A>G. VCF-style: chr8-31081219-A-G. GRCh37 (hg19) VCF-style: chr8-30938735-A-G.
Other names: short protein forms T398A.
Identifiers: ClinVar variation 858990 (VCV000858990.7), dbSNP rs532554615, ClinGen allele CA4704268.